The following is an entry in ClinVar:

NM_001384140.1(PCDH15):c.3937A>G (p.Ile1313Val)

Gene: PCDH15 (protocadherin related 15; minus strand). Cytogenetic location: 10q21.1.
Variant type: single nucleotide variant.
Coding change: c.3937A>G on transcript NM_001384140.1 (MANE Select); coding-DNA position 3937, A replaced by G.
Protein change: p.Ile1313Val; replaces isoleucine 1313 with valine.
Molecular consequence: missense variant.
Genome position (GRCh38, 1-based): chr10:53,840,366, T>C on the plus strand (A>G on the coding strand, the complement: PCDH15 is on the minus strand). VCF-style: chr10-53840366-T-C. GRCh37 (hg19) VCF-style: chr10-55600126-T-C.
Other names: c.3952A>G, p.Ile1318Val (NM_001142763.2, NM_001142771.2); c.3937A>G, p.Ile1313Val (NM_001142764.2, NM_001142766.2, NM_001142770.3 and 4 more transcripts); c.3724A>G, p.Ile1242Val (NM_001142765.2); c.3826A>G, p.Ile1276Val (NM_001142767.2); c.3871A>G, p.Ile1291Val (NM_001142768.2, NM_001142773.2, NM_001354404.2); c.3973A>G, p.Ile1325Val (NM_001142769.4); c.3958A>G, p.Ile1320Val (NM_001354411.2); short protein forms I1318V, I1276V, I1291V, I1313V, I1325V, I1242V, I1320V.
Identifiers: ClinVar variation 1345138 (VCV001345138.7), dbSNP rs534588814, ClinGen allele CA376528749.
Genomic context (GRCh38, chr10:53,840,366, plus strand): 5'-CAAAAAGCACTTACTTAAAAAGCTCATTTCTATCGATGGCTCTGTTGGTTTGGGGGTCAA[T>C]TGCATAGACAGTCAAGTCACATTTGGTGTAATCTTCTAGGGAAAAGGCATCTCCATGCCG-3'
Protein context (NP_001371069.1, residues 1303-1323): YTKCDLTVYA[Ile1313Val]DPQTNRAIDR

ClinVar aggregate classification (germline): Uncertain significance. Review status: criteria provided, multiple submitters, no conflicts (2 of 4 stars). 3 submissions from 3 submitters: Uncertain significance (3). Last evaluated 2025-09-28.

Conditions:
Inborn genetic diseases. Identifiers: MedGen C0950123, MeSH D030342.

Allele frequency attached by ClinVar (database versions not stated): TOPMed 0.00003; gnomAD 0.00004.
gnomAD v4.1: 7 of 1,614,024 alleles (0.00043%); highest among the groups gnomAD compares: African/African-American, 0.008%; no homozygotes.

Submissions (3):

Ambry Genetics
Classification: Uncertain significance for Inborn genetic diseases. Last evaluated: 2025-09-28. Review status: criteria provided, single submitter. Criteria: Ambry Variant Classification Scheme 2023. Collection method: clinical testing. Allele origin: germline.

GeneDx
Classification: Uncertain significance. Last evaluated: 2024-05-09. Review status: criteria provided, single submitter. Criteria: GeneDx Variant Classification Process June 2021. Collection method: clinical testing. Allele origin: germline. Affected: yes.
Comment: In silico analysis indicates that this missense variant does not alter protein structure/function; Has not been previously published as pathogenic or benign to our knowledge

Labcorp Genetics (formerly Invitae), Labcorp
Classification: Uncertain significance. Last evaluated: 2021-08-31. Review status: criteria provided, single submitter. Criteria: Invitae Variant Classification Sherloc (09022015). Collection method: clinical testing. Allele origin: germline.
Comment: This sequence change replaces isoleucine with valine at codon 1313 of the PCDH15 protein (p.Ile1313Val). The isoleucine residue is highly conserved and there is a small physicochemical difference between isoleucine and valine. This variant is not present in population databases (ExAC no frequency). This variant has not been reported in the literature in individuals affected with PCDH15-related conditions. Algorithms developed to predict the effect of missense changes on protein structure and function output the following: SIFT: "Tolerated"; PolyPhen-2: "Benign"; Align-GVGD: "Class C0". The valine amino acid residue is found in multiple mammalian species, which suggests that this missense change does not adversely affect protein function. Algorithms developed to predict the effect of sequence changes on RNA splicing suggest that this variant may create or strengthen a splice site. In summary, the available evidence is currently insufficient to determine the role of this variant in disease. Therefore, it has been classified as a Variant of Uncertain Significance.